The following is an entry in ClinVar:

ClinVar aggregate classification (germline): Uncertain significance (1 of 4 stars; one submission).

Conditions:
Very long chain acyl-CoA dehydrogenase deficiency (ACADVLD). Also called: Very Long-Chain Acyl-Coenzyme A Dehydrogenase Deficiency; VLCAD Deficiency. Identifiers: Orphanet 26793, MedGen C3887523, MONDO:0008723, OMIM 201475.

Submission:

Wong Mito Lab, Molecular and Human Genetics, Baylor College of Medicine
Classification: Uncertain significance for Very long chain acyl-CoA dehydrogenase deficiency. Last evaluated: 2019-11-01. Review status: criteria provided, single submitter. Criteria: ACMG Guidelines, 2015. Collection method: clinical testing. Allele origin: germline.
Comment: The NM_000018.3:c.1254C>G (NP_000009.1:p.Ser418Arg) [GRCH38: NC_000017.11:g.7223715C>G] variant in ACADVL gene is interpretated to be Uncertain Significance based on ACMG guidelines (PMID: 25741868). This variant has been reported. This variant meets the following evidence codes reported in the ACMG guidelines: BP4

NM_000018.4(ACADVL):c.1254C>G (p.Ser418Arg)

Gene: ACADVL (acyl-CoA dehydrogenase very long chain; plus strand). Cytogenetic location: 17p13.1.
Variant type: single nucleotide variant.
Coding change: c.1254C>G on transcript NM_000018.4 (MANE Select); coding-DNA position 1254, C replaced by G.
Protein change: p.Ser418Arg; replaces serine 418 with arginine.
Molecular consequence: missense variant.
Genome position (GRCh38, 1-based): chr17:7,223,715, C>G. VCF-style: chr17-7223715-C-G. GRCh37 (hg19) VCF-style: chr17-7127034-C-G.
Other names: c.1188C>G, p.Ser396Arg (NM_001033859.3); c.1323C>G, p.Ser441Arg (NM_001270447.2); c.1026C>G, p.Ser342Arg (NM_001270448.2); short protein forms S342R, S396R, S418R, S441R.
Identifiers: ClinVar variation 932763 (VCV000932763.2), dbSNP rs2071340371, ClinGen allele CA397724698.